The following is an entry in ClinVar:

NM_000343.4(SLC5A1):c.1231G>A (p.Ala411Thr)

Gene: SLC5A1 (solute carrier family 5 member 1; plus strand). Cytogenetic location: 22q12.3.
Variant type: single nucleotide variant.
Coding change: c.1231G>A on transcript NM_000343.4 (MANE Select); coding-DNA position 1231, G replaced by A.
Protein change: p.Ala411Thr; replaces alanine 411 with threonine.
Molecular consequence: missense variant.
Genome position (GRCh38, 1-based): chr22:32,091,713, G>A. VCF-style: chr22-32091713-G-A. GRCh37 (hg19) VCF-style: chr22-32487700-G-A.
Other names: c.850G>A, p.Ala284Thr (NM_001256314.2); short protein forms A411T, A284T.
Identifiers: ClinVar variation 341252 (VCV000341252.18), dbSNP rs17683430, ClinGen allele CA10198189.

ClinVar aggregate classification (germline): Benign. Review status: criteria provided, multiple submitters, no conflicts (2 of 4 stars). 5 submissions from 5 submitters: Benign (5). Last evaluated 2026-02-03.

Conditions:
Congenital glucose-galactose malabsorption (GGM). Also called: MONOSACCHARIDE MALABSORPTION; DIARRHEA 16. Identifiers: Orphanet 35710, MedGen C0268186, MONDO:0011731, OMIM 606824.

Allele frequency attached by ClinVar (database versions not stated): 1000 Genomes Project 0.02216; 1000 Genomes Project 30x 0.02420; TOPMed 0.04275; gnomAD 0.04534 and 0.04557; gnomAD exomes 0.04857 and 0.06818; ExAC 0.05010; ESP Exome Variant Server 0.05098.
gnomAD v4.1: 105,863 of 1,613,408 alleles (6.6%); highest among the groups gnomAD compares: Non-Finnish European, 7.7%; 3,945 homozygotes.

Submissions (5):

Labcorp Genetics (formerly Invitae), Labcorp
Classification: Benign for Congenital glucose-galactose malabsorption. Last evaluated: 2026-02-03. Review status: criteria provided, single submitter. Criteria: Invitae Variant Classification Sherloc (09022015). Collection method: clinical testing. Allele origin: germline.

Mayo Clinic Laboratories, Mayo Clinic
Classification: Benign. Last evaluated: 2024-05-07. Review status: criteria provided, single submitter. Criteria: ACMG Guidelines, 2015. Collection method: clinical testing. Allele origin: germline. Observed: 17 variant alleles.
Comment: BA1, BS2

Illumina Laboratory Services, Illumina
Classification: Benign for Congenital glucose-galactose malabsorption. Last evaluated: 2018-03-06. Review status: criteria provided, single submitter. Criteria: ICSL Variant Classification Criteria 13 December 2019. Collection method: clinical testing. Allele origin: germline.
Comment: This variant was observed in the ICSL laboratory as part of a predisposition screen in an ostensibly healthy population. It had not been previously curated by ICSL or reported in the Human Gene Mutation Database (HGMD: prior to June 1st, 2018), and was therefore a candidate for classification through an automated scoring system. Utilizing variant allele frequency, disease prevalence and penetrance estimates, and inheritance mode, an automated score was calculated to assess if this variant is too frequent to cause the disease. Based on the score and internal cut-off values, a variant classified as benign is not then subjected to further curation. The score for this variant resulted in a classification of benign for this disease.

Laboratory for Molecular Medicine, Mass General Brigham Personalized Medicine
Classification: Benign. Last evaluated: 2016-03-28. Review status: criteria provided, single submitter. Criteria: LMM Criteria. Collection method: clinical testing. Allele origin: germline.
Comment: Variant identified in a genome or exome case(s) and assessed due to predicted null impact of the variant or pathogenic assertions in the literature or databases. Disclaimer: This variant has not undergone full assessment. The following are preliminary notes: MAF

Breakthrough Genomics
Classification: Benign. Review status: criteria provided, single submitter. Criteria: ACMG Guidelines, 2015. Collection method: not provided. Allele origin: germline. Inheritance: Autosomal recessive inheritance. Affected: yes.